The following is an entry in ClinVar:

ClinVar aggregate classification (germline): Pathogenic (1 of 4 stars; one submission).

Conditions:
VPS13A-related neurodegenerative disease. Also called: ACANTHOCYTOSIS WITH NEUROLOGIC DISORDER; LEVINE-CRITCHLEY SYNDROME; Choreoacanthocytosis; Chorea-acanthocytosis; Choreaacanthocytosis; VPS13A Disease. Identifiers: Orphanet 2388, MedGen C0393576, MONDO:0008695, OMIM 200150.

Submission:

Myriad Genetics, Inc.
Classification: Pathogenic for VPS13A-related neurodegenerative disease. Last evaluated: 2025-04-29. Review status: criteria provided, single submitter. Criteria: Myriad Autosomal Dominant, Autosomal Recessive and X-Linked Classification Criteria (2023). Collection method: clinical testing. Allele origin: unknown.
Comment: NM_033305.2(VPS13A):c.1763delC(P588Lfs*2) is expected to be pathogenic in the context of VPS13A disease. This variant is predicted to lead to an abnormal or absent protein product due to the creation of a premature termination codon in VPS13A, a gene where loss-of-function variants are known to be pathogenic. Please note: this variant was assessed in the context of healthy population screening.

NM_033305.3(VPS13A):c.1763del (p.Pro588fs)

Gene: VPS13A (vacuolar protein sorting 13 homolog A; plus strand). Cytogenetic location: 9q21.2.
Variant type: Deletion.
Coding change: c.1763del on transcript NM_033305.3 (MANE Select); coding-DNA position 1763, one base deleted (C; older notation c.1763delC).
Protein change: p.Pro588fs; shifts the reading frame from proline 588.
Molecular consequence: frameshift variant.
Genome position (GRCh38, 1-based): chr9:77,238,169, C deleted; the last of 2 consecutive C bases (chr9:77,238,168-77,238,169); deleting either gives the same sequence. VCF-style (leftmost placement, unchanged base first): chr9-77238167-AC-A. GRCh37 (hg19) VCF-style: chr9-79853083-AC-A.
Other names: c.1763del, p.Pro588fs (NM_001018037.2, NM_001018038.3, NM_015186.4); short protein forms P588fs.
Identifiers: ClinVar variation 5014360 (VCV005014360.1).